The following is an entry in ClinVar:

NM_145290.4(ADGRA3):c.3938G>A (p.Gly1313Glu)

Gene: ADGRA3 (adhesion G protein-coupled receptor A3; minus strand). Cytogenetic location: 4p15.2.
Variant type: single nucleotide variant.
Coding change: c.3938G>A on transcript NM_145290.4 (MANE Select); coding-DNA position 3938, G replaced by A.
Protein change: p.Gly1313Glu; replaces glycine 1313 with glutamic acid.
Molecular consequence: missense variant.
Genome position (GRCh38, 1-based): chr4:22,387,733, C>T on the plus strand (G>A on the coding strand, the complement: ADGRA3 is on the minus strand). VCF-style: chr4-22387733-C-T. GRCh37 (hg19) VCF-style: chr4-22389356-C-T.
Other names: short protein forms G1313E.
Identifiers: ClinVar variation 4773687 (VCV004773687.1).
Genomic context (GRCh38, chr4:22,387,733, plus strand): 5'-ATATGAATTTCTGCCTAGGAAGCCCAGCAATGTTACACAGTAGTTTCGTGTTTCCATAAT[C>T]CAGTCCTAACATTGCCAGTGCTATCGGTACCGAGCAAGGGTCCCTCCTGCCCATTGCTTT-3'
Protein context (NP_660333.2, residues 1303-1321): GTDSTGNVRT[Gly1313Glu]LWKHETTV

ClinVar aggregate classification (germline): Uncertain significance (1 of 4 stars; one submission).

gnomAD v4.1: 1 of 1,611,526 alleles (0.000062%); highest among the groups gnomAD compares: Non-Finnish European, 0.000085%; no homozygotes.

Submission:

Labcorp Genetics (formerly Invitae), Labcorp
Classification: Uncertain significance. Last evaluated: 2025-09-26. Review status: criteria provided, single submitter. Criteria: Invitae Variant Classification Sherloc (09022015). Collection method: clinical testing. Allele origin: germline.
Comment: This sequence change replaces glycine, which is neutral and non-polar, with glutamic acid, which is acidic and polar, at codon 1313 of the ADGRA3 protein (p.Gly1313Glu). This variant is not present in population databases (gnomAD no frequency). This variant has not been reported in the literature in individuals affected with ADGRA3-related conditions. An algorithm developed to predict the effect of missense changes on protein structure and function (PolyPhen-2) suggests that this variant is likely to be disruptive. In summary, the available evidence is currently insufficient to determine the role of this variant in disease. Therefore, it has been classified as a Variant of Uncertain Significance.